The following is an entry in ClinVar:

ClinVar aggregate classification (germline): Uncertain significance (1 of 4 stars; one submission).

Conditions:
RTTN-related disorder. Also called: RTTN-related condition.

Allele frequency attached by ClinVar (database versions not stated): ExAC 0.00001; gnomAD 0.00001; TOPMed 0.00002.
gnomAD v4.1: 18 of 1,602,532 alleles (0.0011%); highest among the groups gnomAD compares: Admixed American, 0.005%; no homozygotes.

Submission:

PreventionGenetics, part of Exact Sciences
Classification: Uncertain significance for RTTN-related condition. Last evaluated: 2023-05-17. Review status: criteria provided, single submitter. Criteria: ACMG Guidelines, 2015. Collection method: clinical testing. Allele origin: germline.
Comment: The RTTN c.2621T>C variant is predicted to result in the amino acid substitution p.Ile874Thr. To our knowledge, this variant has not been reported in the literature. This variant is reported in 0.0059% of alleles in individuals of Latino descent in gnomAD. At this time, the clinical significance of this variant is uncertain due to the absence of conclusive functional and genetic evidence.

NM_173630.4(RTTN):c.2621T>C (p.Ile874Thr)

Gene: RTTN (rotatin; minus strand). Cytogenetic location: 18q22.2.
Variant type: single nucleotide variant.
Coding change: c.2621T>C on transcript NM_173630.4 (MANE Select); coding-DNA position 2621, T replaced by C.
Protein change: p.Ile874Thr; replaces isoleucine 874 with threonine.
Molecular consequence: missense variant. On other transcripts: intron variant (1).
Genome position (GRCh38, 1-based): chr18:70,140,149, A>G on the plus strand (T>C on the coding strand, the complement: RTTN is on the minus strand). VCF-style: chr18-70140149-A-G. GRCh37 (hg19) VCF-style: chr18-67807385-A-G.
Other names: c.-66-433T>C (NM_001318520.2); short protein forms I874T.
Identifiers: ClinVar variation 2635687 (VCV002635687.1), dbSNP rs755753304, ClinGen allele CA8995812.